The following is an entry in ClinVar:

NM_022051.3(EGLN1):c.505C>T (p.Pro169Ser)

Gene: EGLN1 (egl-9 family hypoxia inducible factor 1; minus strand). Cytogenetic location: 1q42.2.
Variant type: single nucleotide variant.
Coding change: c.505C>T on transcript NM_022051.3 (MANE Select); coding-DNA position 505, C replaced by T.
Protein change: p.Pro169Ser; replaces proline 169 with serine.
Molecular consequence: missense variant.
Genome position (GRCh38, 1-based): chr1:231,421,384, G>A on the plus strand (C>T on the coding strand, the complement: EGLN1 is on the minus strand). VCF-style: chr1-231421384-G-A. GRCh37 (hg19) VCF-style: chr1-231557130-G-A.
Other names: c.505C>T, p.Pro169Ser (NM_001377260.1, NM_001377261.1); short protein forms P169S.
Identifiers: ClinVar variation 1745089 (VCV001745089.3), dbSNP rs745738740, ClinGen allele CA1453163.

ClinVar aggregate classification (germline): Uncertain significance (1 of 4 stars; one submission).

Allele frequency attached by ClinVar (database versions not stated): ExAC 0.00001.
gnomAD v4.1: 3 of 1,607,242 alleles (0.00019%); highest among the groups gnomAD compares: East Asian, 0.0022%; no homozygotes.

Submission:

Ambry Genetics
Classification: Uncertain significance. Last evaluated: 2025-05-25. Review status: criteria provided, single submitter. Criteria: Ambry Variant Classification Scheme 2023. Collection method: clinical testing. Allele origin: germline.
Comment: The p.P169S variant (also known as c.505C>T), located in coding exon 1 of the EGLN1 gene, results from a C to T substitution at nucleotide position 505. The proline at codon 169 is replaced by serine, an amino acid with similar properties. This amino acid position is conserved. In addition, this alteration is predicted to be tolerated by in silico analysis. Since supporting evidence is limited at this time, the clinical significance of this alteration remains unclear.